The following is an entry in ClinVar:

NM_170665.4(ATP2A2):c.1096A>G (p.Met366Val)

Gene: ATP2A2 (ATPase sarcoplasmic/endoplasmic reticulum Ca2+ transporting 2; plus strand). Cytogenetic location: 12q24.11.
Variant type: single nucleotide variant.
Coding change: c.1096A>G on transcript NM_170665.4 (MANE Select); coding-DNA position 1096, A replaced by G.
Protein change: p.Met366Val; replaces methionine 366 with valine.
Molecular consequence: missense variant.
Genome position (GRCh38, 1-based): chr12:110,332,597, A>G. VCF-style: chr12-110332597-A-G. GRCh37 (hg19) VCF-style: chr12-110770402-A-G.
Other names: c.1096A>G (NM_001681.3); c.1096A>G, p.Met366Val (NM_001681.4); short protein forms M366V.
Identifiers: ClinVar variation 1049373 (VCV001049373.35), dbSNP rs199776454, ClinGen allele CA6783818.

ClinVar aggregate classification (germline): Conflicting classifications of pathogenicity. Review status: criteria provided, conflicting classifications (1 of 4 stars). 4 submissions from 4 submitters: Uncertain significance (1); Likely benign (2). 1 of the submissions does not count toward it. Last evaluated 2025-09-01.

Conditions:
Inborn genetic diseases. Identifiers: MedGen C0950123, MeSH D030342.

Allele frequency attached by ClinVar (database versions not stated): TOPMed 0.00025; ExAC 0.00008; gnomAD exomes 0.00014 and 0.00016; 1000 Genomes Project 30x 0.00016; gnomAD 0.00017; 1000 Genomes Project 0.00020.
gnomAD v4.1: 226 of 1,610,066 alleles (0.014%); highest among the groups gnomAD compares: Admixed American, 0.068%; no homozygotes.

Submissions (5):

CeGaT Center for Human Genetics Tuebingen
Classification: Likely benign. Last evaluated: 2025-09-01. Review status: criteria provided, single submitter. Criteria: CeGaT Center For Human Genetics Tuebingen Variant Classification Criteria Version 2. Collection method: clinical testing. Allele origin: germline. Affected: yes. Observed: 2 variant alleles.
Comment: ATP2A2: BS2

Labcorp Genetics (formerly Invitae), Labcorp
Classification: Uncertain significance. Last evaluated: 2025-06-04. Review status: criteria provided, single submitter. Criteria: Invitae Variant Classification Sherloc (09022015). Collection method: clinical testing. Allele origin: germline.
Comment: This sequence change replaces methionine, which is neutral and non-polar, with valine, which is neutral and non-polar, at codon 366 of the ATP2A2 protein (p.Met366Val). This variant is present in population databases (rs199776454, gnomAD 0.07%), and has an allele count higher than expected for a pathogenic variant. This variant has not been reported in the literature in individuals affected with ATP2A2-related conditions. ClinVar contains an entry for this variant (Variation ID: 1049373). An algorithm developed to predict the effect of missense changes on protein structure and function (PolyPhen-2) suggests that this variant is likely to be tolerated. In summary, the available evidence is currently insufficient to determine the role of this variant in disease. Therefore, it has been classified as a Variant of Uncertain Significance.

Ambry Genetics
Classification: Likely benign for Inborn genetic diseases. Last evaluated: 2022-07-27. Review status: criteria provided, single submitter. Criteria: Ambry Variant Classification Scheme 2023. Collection method: clinical testing. Allele origin: germline.

Department of Pathology and Laboratory Medicine, Sinai Health System
Classification: Uncertain significance. Review status: no assertion criteria provided. Collection method: clinical testing. Allele origin: unknown. Affected: yes. Study: The Canadian Open Genetics Repository (COGR). Not counted in ClinVar's aggregate classification.
Comment: The ATP2A2 p.Met366Val variant was not identified in the literature nor was it identified in ClinVar, Cosmic or LOVD 3.0. The variant was identified in dbSNP (ID: rs199776454) and in control databases in 46 of 282844 chromosomes at a frequency of 0.000163 (Genome Aggregation Database Feb 27, 2017). The variant was observed in the following populations: Latino in 25 of 35440 chromosomes (freq: 0.000705) and European (non-Finnish) in 21 of 129156 chromosomes (freq: 0.000163); it was not observed in the African, Ashkenazi Jewish, East Asian, European (Finnish), Other, and South Asian populations. The p.Met366 residue is conserved in mammals and computational analyses (PolyPhen-2, SIFT, AlignGVGD, BLOSUM, MutationTaster) provide inconsistent predictions regarding the impact to the protein; this information is not very predictive of pathogenicity. The p.Met366Val variant occurs in the first base of the exon. This position has been shown to be part of the splicing consensus sequence and variants involving this position sometimes affect splicing. However, in silico or computational prediction software programs (SpliceSiteFinder, MaxEntScan, NNSPLICE, GeneSplicer) do not predict a difference in splicing. In summary, based on the above information the clinical significance of this variant cannot be determined with certainty at this time. This variant is classified as a variant of uncertain significance.

Dr. Peter K. Rogan Lab, Western University
No classification provided (evidence only). Condition: Cervical cancer. Review status: no classification provided. Collection method: in vitro. Allele origin: not applicable. Functional consequence: retained intron. Not counted in ClinVar's aggregate classification.